The following is an entry in ClinVar:

ClinVar aggregate classification (germline): Uncertain significance (1 of 4 stars; one submission).

Submission:

Labcorp Genetics (formerly Invitae), Labcorp
Classification: Uncertain significance. Last evaluated: 2021-04-08. Review status: criteria provided, single submitter. Criteria: Invitae Variant Classification Sherloc (09022015). Collection method: clinical testing. Allele origin: germline.
Comment: Algorithms developed to predict the effect of missense changes on protein structure and function (SIFT, PolyPhen-2, Align-GVGD) all suggest that this variant is likely to be tolerated, but these predictions have not been confirmed by published functional studies and their clinical significance is uncertain. This variant has not been reported in the literature in individuals with RASA2-related conditions. This variant is not present in population databases (ExAC no frequency). This sequence change replaces glutamic acid with lysine at codon 777 of the RASA2 protein (p.Glu777Lys). The glutamic acid residue is moderately conserved and there is a small physicochemical difference between glutamic acid and lysine. Algorithms developed to predict the effect of sequence changes on RNA splicing suggest that this variant may disrupt the consensus splice site, but this prediction has not been confirmed by published transcriptional studies. In summary, the available evidence is currently insufficient to determine the role of this variant in disease. Therefore, it has been classified as a Variant of Uncertain Significance.

NM_006506.5(RASA2):c.2329G>A (p.Glu777Lys)

Gene: RASA2 (RAS p21 protein activator 2; plus strand). Cytogenetic location: 3q23.
Variant type: single nucleotide variant.
Coding change: c.2329G>A on transcript NM_006506.5 (MANE Select); coding-DNA position 2329, G replaced by A.
Protein change: p.Glu777Lys; replaces glutamic acid 777 with lysine.
Molecular consequence: missense variant.
Genome position (GRCh38, 1-based): chr3:141,609,523, G>A. VCF-style: chr3-141609523-G-A. GRCh37 (hg19) VCF-style: chr3-141328365-G-A.
Other names: c.2332G>A, p.Glu778Lys (NM_001303245.3); c.2341G>A, p.Glu781Lys (NM_001303246.3); short protein forms E781K, E777K, E778K.
Identifiers: ClinVar variation 1470164 (VCV001470164.8), dbSNP rs1560068347, ClinGen allele CA354776910.